The following is an entry in ClinVar:

NM_000179.3(MSH6):c.220G>T (p.Gly74Ter)

Gene: MSH6 (mutS homolog 6; plus strand). Cytogenetic location: 2p16.3.
Variant type: single nucleotide variant.
Coding change: c.220G>T on transcript NM_000179.3 (MANE Select); coding-DNA position 220, G replaced by T.
Protein change: p.Gly74Ter; replaces glycine 74 with a stop codon.
Molecular consequence: nonsense. On other transcripts: 5 prime UTR variant (1).
Genome position (GRCh38, 1-based): chr2:47,783,453, G>T. VCF-style: chr2-47783453-G-T. GRCh37 (hg19) VCF-style: chr2-48010592-G-T.
Other names: c.220G>T, p.Gly74Ter (NM_001281492.2); c.-517G>T (NM_001281493.2); short protein forms G74*.
Identifiers: ClinVar variation 480915 (VCV000480915.19), dbSNP rs1553408388, ClinGen allele CA346735083.

ClinVar aggregate classification (germline): Pathogenic. Review status: criteria provided, multiple submitters, no conflicts (2 of 4 stars). 5 submissions from 5 submitters: Pathogenic (5). Last evaluated 2025-02-18.

Conditions:
Mismatch repair cancer syndrome 3. Identifiers: MedGen C5436807, MONDO:0030841, OMIM 619097.
Endometrial carcinoma. Also called: Endometrial carcinoma, somatic. Identifiers: MedGen C0476089, MONDO:0002447, OMIM 608089, HP:0012114.
Lynch syndrome 5 (LYNCH5). Also called: Colorectal cancer, hereditary nonpolyposis, type 5; Hereditary non-polyposis colorectal cancer, type 5. Identifiers: Orphanet 144, MedGen C1833477, MONDO:0013710, OMIM 614350. Disease mechanism: loss of function.
Hereditary nonpolyposis colorectal neoplasms. Identifiers: MedGen C0009405, MeSH D003123.
Hereditary cancer-predisposing syndrome. Also called: Hereditary Cancer Syndrome; Neoplastic Syndromes, Hereditary; Tumor predisposition; Hereditary neoplastic syndrome. Identifiers: Orphanet 140162, MedGen C0027672, MeSH D009386, MONDO:0015356.

Allele frequency attached by ClinVar (database versions not stated): gnomAD 0.00001.

Submissions (5):

Ambry Genetics
Classification: Pathogenic for Hereditary cancer-predisposing syndrome. Last evaluated: 2025-02-18. Review status: criteria provided, single submitter. Criteria: Ambry Variant Classification Scheme 2023. Collection method: clinical testing. Allele origin: germline.
Comment: The p.G74* pathogenic mutation (also known as c.220G>T), located in coding exon 1 of the MSH6 gene, results from a G to T substitution at nucleotide position 220. This changes the amino acid from a glycine to a stop codon within coding exon 1. This mutation has been reported in individuals with Lynch-syndrome associated cancers (Baglietto L et al. J. Natl. Cancer Inst., 2010 Feb;102:193-201; Hampel H et al. Cancer Res., 2007 Oct;67:9603; Yurgelun MB et al. Gastroenterology 2015 Sep;149(3):604-13.e20). This variant is considered to be rare based on population cohorts in the Genome Aggregation Database (gnomAD). This alteration is expected to result in loss of function by premature protein truncation or nonsense-mediated mRNA decay. As such, this alteration is interpreted as a disease-causing mutation.

Labcorp Genetics (formerly Invitae), Labcorp
Classification: Pathogenic for Hereditary nonpolyposis colorectal neoplasms. Last evaluated: 2024-07-11. Review status: criteria provided, single submitter. Criteria: Invitae Variant Classification Sherloc (09022015). Collection method: clinical testing. Allele origin: germline.
Comment: This sequence change creates a premature translational stop signal (p.Gly74*) in the MSH6 gene. It is expected to result in an absent or disrupted protein product. Loss-of-function variants in MSH6 are known to be pathogenic (PMID: 18269114, 24362816). This variant is not present in population databases (gnomAD no frequency). This variant has not been reported in the literature in individuals affected with MSH6-related conditions. ClinVar contains an entry for this variant (Variation ID: 480915). For these reasons, this variant has been classified as Pathogenic.

Myriad Genetics, Inc.
Classification: Pathogenic for Lynch syndrome 5. Last evaluated: 2023-08-09. Review status: criteria provided, single submitter. Criteria: Myriad Autosomal Dominant, Autosomal Recessive and X-Linked Classification Criteria (2023). Collection method: clinical testing. Allele origin: unknown.
Comment: This variant is considered pathogenic. This variant creates a termination codon and is predicted to result in premature protein truncation.

Baylor Genetics
Classification: Pathogenic for Endometrial carcinoma. Last evaluated: 2021-11-16. Review status: criteria provided, single submitter. Criteria: ACMG Guidelines, 2015. Collection method: clinical testing. Allele origin: unknown.

Fulgent Genetics
Classification: Pathogenic for Endometrial carcinoma; Lynch syndrome 5; Mismatch repair cancer syndrome 3. Last evaluated: 2021-09-16. Review status: criteria provided, single submitter. Criteria: ACMG Guidelines, 2015. Collection method: clinical testing. Allele origin: unknown.

Literature cited by the submitters: PubMed 16885385 (cited by Ambry Genetics); PubMed 17909073 (cited by Ambry Genetics); PubMed 20028993 (cited by Ambry Genetics); PubMed 18269114 (cited by Labcorp Genetics (formerly Invitae), Labcorp); PubMed 24362816 (cited by Labcorp Genetics (formerly Invitae), Labcorp).